The following is an entry in ClinVar:

ClinVar aggregate classification (germline): Uncertain significance (1 of 4 stars; one submission).

Conditions:
Congenital contractural arachnodactyly (CCA). Also called: BEALS SYNDROME; Beals-Hecht syndrome; Arthrogryposis, distal, type 9. Identifiers: Orphanet 115, MedGen C0220668, MONDO:0007363, OMIM 121050.

Submission:

Labcorp Genetics (formerly Invitae), Labcorp
Classification: Uncertain significance for Congenital contractural arachnodactyly. Last evaluated: 2023-02-14. Review status: criteria provided, single submitter. Criteria: Invitae Variant Classification Sherloc (09022015). Collection method: clinical testing. Allele origin: germline.
Comment: This variant, c.116_130dup, results in the insertion of 5 amino acid(s) of the FBN2 protein (p.Arg39_Pro43dup), but otherwise preserves the integrity of the reading frame. This variant is not present in population databases (gnomAD no frequency). This variant has not been reported in the literature in individuals affected with FBN2-related conditions. Experimental studies and prediction algorithms are not available or were not evaluated, and the functional significance of this variant is currently unknown. In summary, the available evidence is currently insufficient to determine the role of this variant in disease. Therefore, it has been classified as a Variant of Uncertain Significance.

NM_001999.4(FBN2):c.116_130dup (p.Pro43_Pro44insArgProGlnProPro)

Gene: FBN2 (fibrillin 2; minus strand). Cytogenetic location: 5q23.3.
Variant type: Duplication.
Coding change: c.116_130dup on transcript NM_001999.4 (MANE Select); coding-DNA positions 116 to 130, 15 bases duplicated (GGCCCCAGCCGCCGC).
Protein change: p.Pro43_Pro44insArgProGlnProPro.
Molecular consequence: inframe insertion.
Genome position (GRCh38, 1-based): chr5:128,537,474-128,537,488, GCGGCGGCTGGGGCC duplicated on the plus strand (GGCCCCAGCCGCCGC on the coding strand, the reverse complement: FBN2 is on the minus strand); duplicating any 15 consecutive bases within chr5:128,537,474-128,537,489 gives the same sequence; the c. name uses the placement nearest the transcript's 3' end. VCF-style (leftmost placement, unchanged base first): chr5-128537473-G-GGCGGCGGCTGGGGCC. GRCh37 (hg19) VCF-style: chr5-127873166-G-GGCGGCGGCTGGGGCC.
Identifiers: ClinVar variation 2837336 (VCV002837336.3), dbSNP rs2479827830, ClinGen allele CA2739275011.